The following is an entry in ClinVar:

ClinVar aggregate classification (germline): Uncertain significance (1 of 4 stars; one submission).

Conditions:
Marfan syndrome (MFS). Also called: MARFAN SYNDROME, TYPE I; FBN1-Related Marfan Syndrome; Marfan syndrome type 1; Marfan's syndrome; Marfan syndrome, classic. Identifiers: Orphanet 284963, Orphanet 558, MedGen C0024796, MONDO:0007947, OMIM 154700.
Familial thoracic aortic aneurysm and aortic dissection (TAAD). Also called: Thoracic aortic aneurysms and dissections. Identifiers: Orphanet 91387, MedGen C4707243, MONDO:0019625.

Submission:

Labcorp Genetics (formerly Invitae), Labcorp
Classification: Uncertain significance for Marfan syndrome; Familial thoracic aortic aneurysm and aortic dissection. Last evaluated: 2017-03-14. Review status: criteria provided, single submitter. Criteria: Invitae Variant Classification Sherloc (09022015). Collection method: clinical testing. Allele origin: germline.
Comment: Algorithms developed to predict the effect of missense changes on protein structure and function do not agree on the potential impact of this missense change (SIFT: "Deleterious"; PolyPhen-2: "Benign"; Align-GVGD: "Class C0"). This variant has been reported in the literature in an individual affected with aortic root dilatation and pneumothorax (PMID: 25652356). This variant is not present in population databases (ExAC no frequency). This sequence change replaces glycine with alanine at codon 2116 of the FBN1 protein (p.Gly2116Ala). The glycine residue is highly conserved and there is a small physicochemical difference between glycine and alanine. In summary, this variant is a rare missense change with uncertain impact on protein function. While it is absent from the population and reported in affected individuals, the available evidence is currently insufficient to determine its role in disease. Therefore, it has been classified as a Variant of Uncertain Significance.

Literature cited by the submitters: PubMed 25652356.

NM_000138.5(FBN1):c.6347G>C (p.Gly2116Ala)

Gene: FBN1 (fibrillin 1; minus strand). Cytogenetic location: 15q21.1.
Variant type: single nucleotide variant.
Coding change: c.6347G>C on transcript NM_000138.5 (MANE Select); coding-DNA position 6347, G replaced by C.
Protein change: p.Gly2116Ala; replaces glycine 2116 with alanine.
Molecular consequence: missense variant.
Genome position (GRCh38, 1-based): chr15:48,437,354, C>G on the plus strand (G>C on the coding strand, the complement: FBN1 is on the minus strand). VCF-style: chr15-48437354-C-G. GRCh37 (hg19) VCF-style: chr15-48729551-C-G.
Other names: short protein forms G2116A.
Identifiers: ClinVar variation 457244 (VCV000457244.8), dbSNP rs1555395226, ClinGen allele CA392336798.
Genomic context (GRCh38, chr15:48,437,354, plus strand): 5'-TGCTGAGAATCCAGCACAGGCAACTGACCAACTGCTGAATCATCAGGTCCCACGATGATC[C>G]CACTTCCATAAGGACATATCTGGCGGAAGGCCTCTGTGGTGGAGACACTCATTAATAGAT-3'
Protein context (NP_000129.3, residues 2106-2126): AFRQICPYGS[Gly2116Ala]IIVGPDDSAV